The following is an entry in ClinVar:

ClinVar aggregate classification (germline): Uncertain significance (1 of 4 stars; one submission).

Conditions:
Hypertrophic cardiomyopathy. Also called: HYPERTROPHIC MYOCARDIOPATHY. Identifiers: Orphanet 217569, MedGen C0007194, MeSH D002312, MONDO:0005045, HP:0001639.

Allele frequency attached by ClinVar (database versions not stated): gnomAD exomes below 0.00001; TOPMed 0.00001.
gnomAD v4.1: 1 of 1,551,768 alleles (0.000064%); highest among the groups gnomAD compares: Non-Finnish European, 0.000087%; no homozygotes.

Submission:

Labcorp Genetics (formerly Invitae), Labcorp
Classification: Uncertain significance for Hypertrophic cardiomyopathy. Last evaluated: 2022-10-05. Review status: criteria provided, single submitter. Criteria: Invitae Variant Classification Sherloc (09022015). Collection method: clinical testing. Allele origin: germline.
Comment: This sequence change replaces alanine, which is neutral and non-polar, with valine, which is neutral and non-polar, at codon 774 of the MYBPC3 protein (p.Ala774Val). This variant is not present in population databases (gnomAD no frequency). This variant has not been reported in the literature in individuals affected with MYBPC3-related conditions. ClinVar contains an entry for this variant (Variation ID: 861266). Algorithms developed to predict the effect of missense changes on protein structure and function are either unavailable or do not agree on the potential impact of this missense change (SIFT: "Tolerated"; PolyPhen-2: "Possibly Damaging"; Align-GVGD: "Class C25"). Algorithms developed to predict the effect of sequence changes on RNA splicing suggest that this variant may create or strengthen a splice site. In summary, the available evidence is currently insufficient to determine the role of this variant in disease. Therefore, it has been classified as a Variant of Uncertain Significance.

NM_000256.3(MYBPC3):c.2321C>T (p.Ala774Val)

Gene: MYBPC3 (myosin binding protein C3; minus strand). Cytogenetic location: 11p11.2.
Variant type: single nucleotide variant.
Coding change: c.2321C>T on transcript NM_000256.3 (MANE Select); coding-DNA position 2321, C replaced by T.
Protein change: p.Ala774Val; replaces alanine 774 with valine.
Molecular consequence: missense variant.
Genome position (GRCh38, 1-based): chr11:47,337,782, G>A on the plus strand (C>T on the coding strand, the complement: MYBPC3 is on the minus strand). VCF-style: chr11-47337782-G-A. GRCh37 (hg19) VCF-style: chr11-47359333-G-A.
Other names: short protein forms A774V.
Identifiers: ClinVar variation 861266 (VCV000861266.5), dbSNP rs1175711737, ClinGen allele CA380319125.